The following is an entry in ClinVar:

NM_002662.5(PLD1):c.434+1G>T

Gene: PLD1 (phospholipase D1; minus strand). Cytogenetic location: 3q26.31.
Variant type: single nucleotide variant.
Coding change: c.434+1G>T on transcript NM_002662.5 (MANE Select); the canonical splice donor site of the intron after coding-DNA position 434, G replaced by T.
Molecular consequence: splice donor variant.
Genome position (GRCh38, 1-based): chr3:171,735,491, C>A on the plus strand (G>T on the coding strand, the complement: PLD1 is on the minus strand). VCF-style: chr3-171735491-C-A. GRCh37 (hg19) VCF-style: chr3-171453281-C-A.
Other names: c.434+1G>T (NM_001130081.3).
Identifiers: ClinVar variation 4849884 (VCV004849884.1).

ClinVar aggregate classification (germline): Pathogenic (1 of 4 stars; one submission).

Conditions:
Cardiac valvular defect, developmental (CVDP1). Also called: CARDIAC VALVULAR DYSPLASIA 1. Identifiers: MedGen C5774175, MONDO:0008913, OMIM 212093.

Submission:

The Key Laboratory for Human Disease Gene Study of Sichuan Province, Sichuan Academy of Medical Sciences & Sichuan Provincial People’s Hospital
Classification: Pathogenic for Cardiac valvular defect, developmental. Last evaluated: 2026-04-15. Review status: criteria provided, single submitter. Criteria: ACMG Guidelines, 2015. Collection method: clinical testing. Allele origin: germline. Inheritance: Autosomal recessive inheritance. Affected: yes. Observed: 1 variant allele, 1 compound heterozygote.
Comment: This is a canonical splice donor variant (c.434+1G>T) in the PLD1 gene. The variant is absent from population databases (PM2_Supporting). Loss-of-function is an established mechanism for PLD1-related cardiac valvular dysplasia (CVDP1, OMIM #212093), and this variant is predicted to disrupt normal splicing (PVS1). Based on ACMG/AMP guidelines, this variant is classified as Pathogenic (PVS1 + PM2_Supporting + PP4).

Literature cited by the submitters: PubMed 27799408.